The following is an entry in ClinVar:

NM_001130438.3(SPTAN1):c.6708-7C>T

Gene: SPTAN1 (spectrin alpha, non-erythrocytic 1; plus strand). Cytogenetic location: 9q34.11.
Variant type: single nucleotide variant.
Coding change: c.6708-7C>T on transcript NM_001130438.3 (MANE Select); 7 bases into the intron before coding-DNA position 6708, C replaced by T.
Molecular consequence: intron variant.
Genome position (GRCh38, 1-based): chr9:128,630,314, C>T. VCF-style: chr9-128630314-C-T. GRCh37 (hg19) VCF-style: chr9-131392593-C-T.
Other names: p.?; c.6771-7C>T (NM_001363759.2); c.6693-7C>T (NM_003127.4); c.6648-7C>T (NM_001363765.2); c.6633-7C>T (NM_001195532.2).
Identifiers: ClinVar variation 139312 (VCV000139312.21), dbSNP rs16930539, ClinGen allele CA295192.

ClinVar aggregate classification (germline): Benign. Review status: criteria provided, multiple submitters, no conflicts (2 of 4 stars). 7 submissions from 7 submitters: Benign (6). 1 of the submissions does not count toward it. Last evaluated 2026-02-03.

Conditions:
Early-infantile DEE. Also called: Ohtahara syndrome; Early infantile epileptic encephalopathy; Early infantile epileptic encephalopathy with suppression bursts. Identifiers: Orphanet 1934, MedGen C0393706, MONDO:0800491.
Developmental and epileptic encephalopathy, 5 (DEE5). Identifiers: Orphanet 3451, MedGen C3150731, MONDO:0013277, OMIM 613477.

Allele frequency attached by ClinVar (database versions not stated): gnomAD exomes 0.00178 and 0.00479; ExAC 0.00580; gnomAD 0.01853 and 0.01980; ESP Exome Variant Server 0.01922; TOPMed 0.02095; 1000 Genomes Project 0.02196; 1000 Genomes Project 30x 0.02311.
gnomAD v4.1: 5,514 of 1,613,718 alleles (0.34%); highest among the groups gnomAD compares: African/African-American, 6.3%; 181 homozygotes.

Submissions (38):

Labcorp Genetics (formerly Invitae), Labcorp
Classification: Benign for Early-infantile DEE. Last evaluated: 2026-02-03. Review status: criteria provided, single submitter. Criteria: Invitae Variant Classification Sherloc (09022015). Collection method: clinical testing. Allele origin: germline.

Mayo Clinic Laboratories, Mayo Clinic
Classification: Benign. Last evaluated: 2022-03-24. Review status: criteria provided, single submitter. Criteria: ACMG Guidelines, 2015. Collection method: clinical testing. Allele origin: germline. Observed: 23 variant alleles.

Genome-Nilou Lab
Classification: Benign for Developmental and epileptic encephalopathy, 5. Last evaluated: 2021-07-15. Review status: criteria provided, single submitter. Criteria: ACMG Guidelines, 2015. Collection method: clinical testing. Allele origin: germline. Affected: no.

GeneDx
Classification: Benign. Last evaluated: 2012-06-05. Review status: criteria provided, single submitter. Criteria: GeneDx Variant Classification (06012015). Collection method: clinical testing. Allele origin: germline. Affected: yes.
Comment: This variant is considered likely benign or benign based on one or more of the following criteria: it is a conservative change, it occurs at a poorly conserved position in the protein, it is predicted to be benign by multiple in silico algorithms, and/or has population frequency not consistent with disease.

Breakthrough Genomics
Classification: Benign. Review status: criteria provided, single submitter. Criteria: ACMG Guidelines, 2015. Collection method: not provided. Allele origin: germline. Inheritance: Autosomal dominant inheritance. Affected: yes.

PreventionGenetics, part of Exact Sciences
Classification: Benign. Review status: criteria provided, single submitter. Criteria: ACMG Guidelines, 2015. Collection method: clinical testing. Allele origin: germline.

Dr. Peter K. Rogan Lab, Western University
No classification provided (evidence only). Condition: Clear cell carcinoma of kidney. Review status: no classification provided. Collection method: in vitro. Allele origin: not applicable. Functional consequence: retained intron. Not counted in ClinVar's aggregate classification.

Dr. Peter K. Rogan Lab, Western University
No classification provided (evidence only). Condition: Lung cancer. Review status: no classification provided. Collection method: in vitro. Allele origin: not applicable. Functional consequence: retained intron. Not counted in ClinVar's aggregate classification.

Dr. Peter K. Rogan Lab, Western University
No classification provided (evidence only). Condition: Lung cancer. Review status: no classification provided. Collection method: in vitro. Allele origin: not applicable. Functional consequence: retained intron. Not counted in ClinVar's aggregate classification.

Dr. Peter K. Rogan Lab, Western University
No classification provided (evidence only). Condition: Lung cancer. Review status: no classification provided. Collection method: in vitro. Allele origin: not applicable. Functional consequence: retained intron. Not counted in ClinVar's aggregate classification.

Dr. Peter K. Rogan Lab, Western University
No classification provided (evidence only). Condition: Lung cancer. Review status: no classification provided. Collection method: in vitro. Allele origin: not applicable. Functional consequence: retained intron. Not counted in ClinVar's aggregate classification.

Dr. Peter K. Rogan Lab, Western University
No classification provided (evidence only). Condition: Thyroid cancer, nonmedullary, 1. Review status: no classification provided. Collection method: in vitro. Allele origin: not applicable. Functional consequence: retained intron. Not counted in ClinVar's aggregate classification.

Dr. Peter K. Rogan Lab, Western University
No classification provided (evidence only). Condition: Uterine corpus endometrial carcinoma. Review status: no classification provided. Collection method: in vitro. Allele origin: not applicable. Functional consequence: retained intron. Not counted in ClinVar's aggregate classification.

Dr. Peter K. Rogan Lab, Western University
No classification provided (evidence only). Condition: Uterine corpus endometrial carcinoma. Review status: no classification provided. Collection method: in vitro. Allele origin: not applicable. Functional consequence: retained intron. Not counted in ClinVar's aggregate classification.

Dr. Peter K. Rogan Lab, Western University
No classification provided (evidence only). Condition: Uterine corpus endometrial carcinoma. Review status: no classification provided. Collection method: in vitro. Allele origin: not applicable. Functional consequence: retained intron. Not counted in ClinVar's aggregate classification.

Dr. Peter K. Rogan Lab, Western University
No classification provided (evidence only). Condition: Uterine corpus endometrial carcinoma. Review status: no classification provided. Collection method: in vitro. Allele origin: not applicable. Functional consequence: retained intron. Not counted in ClinVar's aggregate classification.

Dr. Peter K. Rogan Lab, Western University
No classification provided (evidence only). Condition: Uterine corpus endometrial carcinoma. Review status: no classification provided. Collection method: in vitro. Allele origin: not applicable. Functional consequence: retained intron. Not counted in ClinVar's aggregate classification.

Dr. Peter K. Rogan Lab, Western University
No classification provided (evidence only). Condition: Uterine corpus endometrial carcinoma. Review status: no classification provided. Collection method: in vitro. Allele origin: not applicable. Functional consequence: retained intron. Not counted in ClinVar's aggregate classification.

Dr. Peter K. Rogan Lab, Western University
No classification provided (evidence only). Condition: Uterine corpus endometrial carcinoma. Review status: no classification provided. Collection method: in vitro. Allele origin: not applicable. Functional consequence: retained intron. Not counted in ClinVar's aggregate classification.

Dr. Peter K. Rogan Lab, Western University
No classification provided (evidence only). Condition: Uterine corpus endometrial carcinoma. Review status: no classification provided. Collection method: in vitro. Allele origin: not applicable. Functional consequence: retained intron. Not counted in ClinVar's aggregate classification.

Dr. Peter K. Rogan Lab, Western University
No classification provided (evidence only). Condition: Uterine corpus endometrial carcinoma. Review status: no classification provided. Collection method: in vitro. Allele origin: not applicable. Functional consequence: retained intron. Not counted in ClinVar's aggregate classification.

Dr. Peter K. Rogan Lab, Western University
No classification provided (evidence only). Condition: Uterine corpus endometrial carcinoma. Review status: no classification provided. Collection method: in vitro. Allele origin: not applicable. Functional consequence: retained intron. Not counted in ClinVar's aggregate classification.

Dr. Peter K. Rogan Lab, Western University
No classification provided (evidence only). Condition: Cervical cancer. Review status: no classification provided. Collection method: in vitro. Allele origin: not applicable. Functional consequence: retained intron. Not counted in ClinVar's aggregate classification.

Dr. Peter K. Rogan Lab, Western University
No classification provided (evidence only). Condition: Cervical cancer. Review status: no classification provided. Collection method: in vitro. Allele origin: not applicable. Functional consequence: retained intron. Not counted in ClinVar's aggregate classification.

Dr. Peter K. Rogan Lab, Western University
No classification provided (evidence only). Condition: Cervical cancer. Review status: no classification provided. Collection method: in vitro. Allele origin: not applicable. Functional consequence: retained intron. Not counted in ClinVar's aggregate classification.

Dr. Peter K. Rogan Lab, Western University
No classification provided (evidence only). Condition: Cervical cancer. Review status: no classification provided. Collection method: in vitro. Allele origin: not applicable. Functional consequence: retained intron. Not counted in ClinVar's aggregate classification.

Dr. Peter K. Rogan Lab, Western University
No classification provided (evidence only). Condition: Cervical cancer. Review status: no classification provided. Collection method: in vitro. Allele origin: not applicable. Functional consequence: retained intron. Not counted in ClinVar's aggregate classification.

Dr. Peter K. Rogan Lab, Western University
No classification provided (evidence only). Condition: Sarcoma. Review status: no classification provided. Collection method: in vitro. Allele origin: not applicable. Functional consequence: retained intron. Not counted in ClinVar's aggregate classification.

Dr. Peter K. Rogan Lab, Western University
No classification provided (evidence only). Condition: Sarcoma. Review status: no classification provided. Collection method: in vitro. Allele origin: not applicable. Functional consequence: retained intron. Not counted in ClinVar's aggregate classification.

Dr. Peter K. Rogan Lab, Western University
No classification provided (evidence only). Condition: Sarcoma. Review status: no classification provided. Collection method: in vitro. Allele origin: not applicable. Functional consequence: retained intron. Not counted in ClinVar's aggregate classification.

Dr. Peter K. Rogan Lab, Western University
No classification provided (evidence only). Condition: Nonpapillary renal cell carcinoma. Review status: no classification provided. Collection method: in vitro. Allele origin: not applicable. Functional consequence: retained intron. Not counted in ClinVar's aggregate classification.

Dr. Peter K. Rogan Lab, Western University
No classification provided (evidence only). Condition: Nonpapillary renal cell carcinoma. Review status: no classification provided. Collection method: in vitro. Allele origin: not applicable. Functional consequence: retained intron. Not counted in ClinVar's aggregate classification.

Dr. Peter K. Rogan Lab, Western University
No classification provided (evidence only). Condition: Thymoma. Review status: no classification provided. Collection method: in vitro. Allele origin: not applicable. Functional consequence: retained intron. Not counted in ClinVar's aggregate classification.

Dr. Peter K. Rogan Lab, Western University
No classification provided (evidence only). Condition: Ovarian serous cystadenocarcinoma. Review status: no classification provided. Collection method: in vitro. Allele origin: not applicable. Functional consequence: retained intron. Not counted in ClinVar's aggregate classification.

Dr. Peter K. Rogan Lab, Western University
No classification provided (evidence only). Condition: Ovarian serous cystadenocarcinoma. Review status: no classification provided. Collection method: in vitro. Allele origin: not applicable. Functional consequence: retained intron. Not counted in ClinVar's aggregate classification.

Dr. Peter K. Rogan Lab, Western University
No classification provided (evidence only). Condition: Uterine carcinosarcoma. Review status: no classification provided. Collection method: in vitro. Allele origin: not applicable. Functional consequence: retained intron. Not counted in ClinVar's aggregate classification.

Dr. Peter K. Rogan Lab, Western University
No classification provided (evidence only). Condition: Malignant tumor of esophagus. Review status: no classification provided. Collection method: in vitro. Allele origin: not applicable. Functional consequence: retained intron. Not counted in ClinVar's aggregate classification.

Genetic Services Laboratory, University of Chicago
Classification: Likely benign. Review status: no assertion criteria provided. Collection method: clinical testing. Allele origin: germline. Inheritance: Autosomal dominant inheritance. Not counted in ClinVar's aggregate classification.
Comment: Likely benign based on allele frequency in 1000 Genomes Project or ESP global frequency and its presence in a patient with a rare or unrelated disease phenotype. NOT Sanger confirmed